The following is an entry in ClinVar:

ClinVar aggregate classification (germline): Likely benign (1 of 4 stars; one submission).

Submission:

CeGaT Center for Human Genetics Tuebingen
Classification: Likely benign. Last evaluated: 2025-05-01. Review status: criteria provided, single submitter. Criteria: CeGaT Center For Human Genetics Tuebingen Variant Classification Criteria Version 2. Collection method: clinical testing. Allele origin: germline. Affected: yes. Observed: 1 variant allele.
Comment: MUC16: BP4

NM_001401501.2(MUC16):c.7225T>C (p.Ser2409Pro)

Gene: MUC16 (mucin 16, cell surface associated; minus strand). Cytogenetic location: 19p13.2.
Variant type: single nucleotide variant.
Coding change: c.7225T>C on transcript NM_001401501.2 (MANE Select); coding-DNA position 7225, T replaced by C.
Protein change: p.Ser2409Pro; replaces serine 2409 with proline.
Molecular consequence: missense variant.
Genome position (GRCh38, 1-based): chr19:8,974,034, A>G on the plus strand (T>C on the coding strand, the complement: MUC16 is on the minus strand). VCF-style: chr19-8974034-A-G. GRCh37 (hg19) VCF-style: chr19-9084710-A-G.
Other names: c.7651T>C, p.Ser2551Pro (NM_001414686.1); c.7105T>C, p.Ser2369Pro (NM_001414687.1, NM_024690.2); short protein forms S2369P, S2409P, S2551P.
Identifiers: ClinVar variation 3904783 (VCV003904783.10).